The following is an entry in ClinVar:

NM_014000.3(VCL):c.1782A>T (p.Glu594Asp)

Gene: VCL (vinculin; plus strand). Cytogenetic location: 10q22.2.
Variant type: single nucleotide variant.
Coding change: c.1782A>T on transcript NM_014000.3 (MANE Select); coding-DNA position 1782, A replaced by T.
Protein change: p.Glu594Asp; replaces glutamic acid 594 with aspartic acid.
Molecular consequence: missense variant.
Genome position (GRCh38, 1-based): chr10:74,097,242, A>T. VCF-style: chr10-74097242-A-T. GRCh37 (hg19) VCF-style: chr10-75857000-A-T.
Other names: c.1782A>T, p.Glu594Asp (NM_003373.4); short protein forms E594D.
Identifiers: ClinVar variation 3226290 (VCV003226290.1), dbSNP rs2549227596, ClinGen allele CA377276570.

ClinVar aggregate classification (germline): Uncertain significance (1 of 4 stars; one submission).

Conditions:
Cardiovascular phenotype. Identifiers: MedGen CN230736.

Submission:

Ambry Genetics
Classification: Uncertain significance for Cardiovascular phenotype. Last evaluated: 2023-10-23. Review status: criteria provided, single submitter. Criteria: Ambry Variant Classification Scheme 2023. Collection method: clinical testing. Allele origin: germline.
Comment: The p.E594D variant (also known as c.1782A>T), located in coding exon 13 of the VCL gene, results from an A to T substitution at nucleotide position 1782. The glutamic acid at codon 594 is replaced by aspartic acid, an amino acid with highly similar properties. This amino acid position is conserved. In addition, the in silico prediction for this alteration is inconclusive. Since supporting evidence is limited at this time, the clinical significance of this alteration remains unclear.